The following is an entry in ClinVar:

ClinVar aggregate classification (germline): Uncertain significance (1 of 4 stars; one submission).

Submission:

Labcorp Genetics (formerly Invitae), Labcorp
Classification: Uncertain significance. Last evaluated: 2021-12-03. Review status: criteria provided, single submitter. Criteria: Invitae Variant Classification Sherloc (09022015). Collection method: clinical testing. Allele origin: germline.
Comment: This variant is not present in population databases (gnomAD no frequency). This sequence change replaces methionine, which is neutral and non-polar, with valine, which is neutral and non-polar, at codon 868 of the ABCC8 protein (p.Met868Val). This variant has not been reported in the literature in individuals affected with ABCC8-related conditions. Advanced modeling of protein sequence and biophysical properties (such as structural, functional, and spatial information, amino acid conservation, physicochemical variation, residue mobility, and thermodynamic stability) performed at Invitae indicates that this missense variant is not expected to disrupt ABCC8 protein function. In summary, the available evidence is currently insufficient to determine the role of this variant in disease. Therefore, it has been classified as a Variant of Uncertain Significance.

NM_000352.6(ABCC8):c.2602A>G (p.Met868Val)

Gene: ABCC8 (ATP binding cassette subfamily C member 8; minus strand). Cytogenetic location: 11p15.1.
Variant type: single nucleotide variant.
Coding change: c.2602A>G on transcript NM_000352.6 (MANE Select); coding-DNA position 2602, A replaced by G.
Protein change: p.Met868Val; replaces methionine 868 with valine.
Molecular consequence: missense variant. On other transcripts: non-coding transcript variant (1).
Genome position (GRCh38, 1-based): chr11:17,410,608, T>C on the plus strand (A>G on the coding strand, the complement: ABCC8 is on the minus strand). VCF-style: chr11-17410608-T-C. GRCh37 (hg19) VCF-style: chr11-17432155-T-C.
Other names: c.2605A>G, p.Met869Val (NM_001287174.3); c.2668A>G, p.Met890Val (NM_001351295.2); c.2602A>G, p.Met868Val (NM_001351296.2); c.2599A>G, p.Met867Val (NM_001351297.2); short protein forms M869V, M890V, M867V, M868V.
Identifiers: ClinVar variation 1481920 (VCV001481920.6), dbSNP rs2133461403, ClinGen allele CA379806500.